The following is an entry in ClinVar:

NM_004963.4(GUCY2C):c.938A>G (p.Asn313Ser)

Genes: GUCY2C (guanylate cyclase 2C; minus strand), GUCY2C-AS1 (GUCY2C antisense RNA 1; plus strand). Cytogenetic location: 12p12.3.
Variant type: single nucleotide variant.
Coding change: c.938A>G on transcript NM_004963.4 (MANE Select); coding-DNA position 938, A replaced by G.
Protein change: p.Asn313Ser; replaces asparagine 313 with serine.
Molecular consequence: missense variant.
Genome position (GRCh38, 1-based): chr12:14,676,864, T>C on the plus strand (A>G on the coding strand, the complement: GUCY2C is on the minus strand). VCF-style: chr12-14676864-T-C. GRCh37 (hg19) VCF-style: chr12-14829798-T-C.
Other names: short protein forms N313S.
Identifiers: ClinVar variation 2878529 (VCV002878529.3), dbSNP rs765925902, ClinGen allele CA6463613.

ClinVar aggregate classification (germline): Uncertain significance (1 of 4 stars; one submission).

Allele frequency attached by ClinVar (database versions not stated): gnomAD exomes 0.00001; ExAC 0.00002.
gnomAD v4.1: 7 of 1,322,580 alleles (0.00053%); highest among the groups gnomAD compares: Admixed American, 0.0037%; no homozygotes.

Submission:

Labcorp Genetics (formerly Invitae), Labcorp
Classification: Uncertain significance. Last evaluated: 2023-05-24. Review status: criteria provided, single submitter. Criteria: Invitae Variant Classification Sherloc (09022015). Collection method: clinical testing. Allele origin: germline.
Comment: In summary, the available evidence is currently insufficient to determine the role of this variant in disease. Therefore, it has been classified as a Variant of Uncertain Significance. Advanced modeling of protein sequence and biophysical properties (such as structural, functional, and spatial information, amino acid conservation, physicochemical variation, residue mobility, and thermodynamic stability) performed at Invitae indicates that this missense variant is not expected to disrupt GUCY2C protein function. This variant has not been reported in the literature in individuals affected with GUCY2C-related conditions. This variant is present in population databases (rs765925902, gnomAD 0.007%). This sequence change replaces asparagine, which is neutral and polar, with serine, which is neutral and polar, at codon 313 of the GUCY2C protein (p.Asn313Ser).